The following is an entry in ClinVar:

NM_001080421.3(UNC13A):c.1620C>A (p.Thr540=)

Gene: UNC13A (unc-13 homolog A; minus strand). Cytogenetic location: 19p13.11.
Variant type: single nucleotide variant.
Coding change: c.1620C>A on transcript NM_001080421.3 (MANE Select); coding-DNA position 1620, C replaced by A.
Protein change: p.Thr540=; no amino-acid change (threonine 540 retained).
Molecular consequence: synonymous variant.
Genome position (GRCh38, 1-based): chr19:17,648,627, G>T on the plus strand (C>A on the coding strand, the complement: UNC13A is on the minus strand). VCF-style: chr19-17648627-G-T. GRCh37 (hg19) VCF-style: chr19-17759436-G-T.
Other names: c.1614C>A, p.Thr538= (NM_001387021.1, NM_001387022.1, NM_001387023.1).
Identifiers: ClinVar variation 3056881 (VCV003056881.2), dbSNP rs1005842519, ClinGen allele CA306104096.

ClinVar aggregate classification (germline): Likely benign (0 of 4 stars; one submission).

Conditions:
UNC13A-related disorder. Also called: UNC13A-related condition.

Allele frequency attached by ClinVar (database versions not stated): gnomAD 0.00002; TOPMed 0.00013.
gnomAD v4.1: 8 of 1,607,706 alleles (0.0005%); highest among the groups gnomAD compares: Admixed American, 0.012%; no homozygotes.

Submission:

PreventionGenetics, part of Exact Sciences
Classification: Likely benign for UNC13A-related condition. Last evaluated: 2022-07-12. Review status: no assertion criteria provided. Collection method: clinical testing. Allele origin: germline.
Comment: This variant is classified as likely benign based on ACMG/AMP sequence variant interpretation guidelines (Richards et al. 2015 PMID: 25741868, with internal and published modifications).